The following is an entry in ClinVar:

NM_020937.4(FANCM):c.1249G>C (p.Glu417Gln)

Gene: FANCM (FA complementation group M; plus strand). Cytogenetic location: 14q21.2.
Variant type: single nucleotide variant.
Coding change: c.1249G>C on transcript NM_020937.4 (MANE Select); coding-DNA position 1249, G replaced by C.
Protein change: p.Glu417Gln; replaces glutamic acid 417 with glutamine.
Molecular consequence: missense variant.
Genome position (GRCh38, 1-based): chr14:45,154,762, G>C. VCF-style: chr14-45154762-G-C. GRCh37 (hg19) VCF-style: chr14-45623965-G-C.
Other names: c.1171G>C, p.Glu391Gln (NM_001308133.2); c.1249G>C, p.Glu417Gln (NM_001308134.2); short protein forms E417Q, E391Q.
Identifiers: ClinVar variation 864066 (VCV000864066.17), dbSNP rs141729590, ClinGen allele CA7168977.

ClinVar aggregate classification (germline): Uncertain significance. Review status: criteria provided, multiple submitters, no conflicts (2 of 4 stars). 5 submissions from 5 submitters: Uncertain significance (5). Last evaluated 2025-12-21.

Conditions:
Spermatogenic failure 28. Identifiers: MedGen C4748117, MONDO:0054732, OMIM 618086.
Premature ovarian failure 15. Identifiers: MedGen C4748170, MONDO:0054862, OMIM 618096.
Fanconi anemia (FA). Also called: Fanconi's anemia. Identifiers: Orphanet 84, MedGen C0015625, MeSH D005199, MONDO:0019391.

Allele frequency attached by ClinVar (database versions not stated): gnomAD exomes 0.00001 and 0.00005; ExAC 0.00006; ESP Exome Variant Server 0.00015; TOPMed 0.00019; gnomAD 0.00022 and 0.00025.
gnomAD v4.1: 51 of 1,603,484 alleles (0.0032%); highest among the groups gnomAD compares: African/African-American, 0.06%; no homozygotes.

Submissions (5):

Labcorp Genetics (formerly Invitae), Labcorp
Classification: Uncertain significance for Fanconi anemia. Last evaluated: 2025-12-21. Review status: criteria provided, single submitter. Criteria: Invitae Variant Classification Sherloc (09022015). Collection method: clinical testing. Allele origin: germline.
Comment: This sequence change replaces glutamic acid, which is acidic and polar, with glutamine, which is neutral and polar, at codon 417 of the FANCM protein (p.Glu417Gln). This variant is present in population databases (rs141729590, gnomAD 0.09%). This variant has not been reported in the literature in individuals affected with FANCM-related conditions. ClinVar contains an entry for this variant (Variation ID: 864066). An algorithm developed to predict the effect of missense changes on protein structure and function outputs the following: PolyPhen-2: "Benign". The glutamine amino acid residue is found in multiple mammalian species, which suggests that this missense change does not adversely affect protein function. In summary, the available evidence is currently insufficient to determine the role of this variant in disease. Therefore, it has been classified as a Variant of Uncertain Significance.

Quest Diagnostics Nichols Institute San Juan Capistrano
Classification: Uncertain significance. Last evaluated: 2025-07-22. Review status: criteria provided, single submitter. Criteria: Quest Diagnostics criteria. Collection method: clinical testing. Allele origin: unknown.
Comment: The FANCM c.1249G>C (p.Glu417Gln) variant has not been reported in individuals with FANCM-related conditions in the published literature. The frequency of this variant in the general population (Genome Aggregation Database) is higher than would generally be expected for pathogenic variants in this gene. Analysis of this variant using bioinformatics tools for the prediction of the effect of amino acid changes on protein structure and function yielded predictions that this variant is benign. Based on the available information, we are unable to determine the clinical significance of this variant.

GeneDx
Classification: Uncertain significance. Last evaluated: 2024-08-16. Review status: criteria provided, single submitter. Criteria: GeneDx Variant Classification Process June 2021. Collection method: clinical testing. Allele origin: germline. Affected: yes.
Comment: In silico analysis indicates that this missense variant does not alter protein structure/function; Has not been previously published as pathogenic or benign to our knowledge

Fulgent Genetics
Classification: Uncertain significance for Spermatogenic failure 28; Premature ovarian failure 15. Last evaluated: 2021-12-04. Review status: criteria provided, single submitter. Criteria: ACMG Guidelines, 2015. Collection method: clinical testing. Allele origin: unknown.

Baylor Genetics
Classification: Uncertain significance for Spermatogenic failure 28. Last evaluated: 2019-07-17. Review status: criteria provided, single submitter. Criteria: ACMG Guidelines, 2015. Collection method: clinical testing. Allele origin: unknown. Affected: yes. Study: CSER-TexasKidsCanSeq.
Comment: This variant was determined to be of uncertain significance according to ACMG Guidelines, 2015 [PMID:25741868].